The following is an entry in ClinVar:

NM_001039141.3(TRIOBP):c.111C>G (p.Tyr37Ter)

Gene: TRIOBP (TRIO and F-actin binding protein; plus strand). Cytogenetic location: 22q13.1.
Variant type: single nucleotide variant.
Coding change: c.111C>G on transcript NM_001039141.3 (MANE Select); coding-DNA position 111, C replaced by G.
Protein change: p.Tyr37Ter; replaces tyrosine 37 with a stop codon.
Molecular consequence: nonsense.
Genome position (GRCh38, 1-based): chr22:37,701,476, C>G. VCF-style: chr22-37701476-C-G. GRCh37 (hg19) VCF-style: chr22-38097483-C-G.
Other names: short protein forms Y37*.
Identifiers: ClinVar variation 229352 (VCV000229352.5), dbSNP rs876658035, ClinGen allele CA10577141.
Genomic context (GRCh38, chr22:37,701,476, plus strand): 5'-ACTTACCCAGAACCGCTGTCAAAACTGCTTCCACCCTGAGGAGGCCCATGGAGCAAGATA[C>G]CAGGTGGGCCAGTTTTCCACGTGGTTGGGGTGGTTTGTGATGGGGGCATGGGTGAAGGAC-3'

ClinVar aggregate classification (germline): Uncertain significance (1 of 4 stars; one submission).

gnomAD v4.1: 1 of 1,608,004 alleles (0.000062%); highest among the groups gnomAD compares: African/African-American, 0.0013%; no homozygotes.

Submission:

Laboratory for Molecular Medicine, Mass General Brigham Personalized Medicine
Classification: Uncertain significance. Last evaluated: 2015-10-11. Review status: criteria provided, single submitter. Criteria: LMM Criteria. Collection method: clinical testing. Allele origin: germline. Observed: 1 variant allele.
Comment: The p.Tyr37X variant in TRIOBP (exon 3 in NM_001039141.2) has not been previousl y reported in individuals with hearing loss and was absent from large population studies. This nonsense variant leads to a premature termination codon at positi on 37, which is predicted to lead to a truncated or absent protein. However, the variant affects the coding region of only one transcript isoform of the TRIOBP gene, and lies in the non-coding region of another transcript isoform and in the intragenic region of two isoforms (Riazuddin 2006). Pathogenic variants in exon 3 of this isoform have not been reported in affected individuals, and the major ity of reported pathogenic variants occur in exon 7 of this isoform, which also impact a coding exon of an alternate isoform. Therefore, it is not clear whether loss of function variants that impact this isoform only are causative for heari ng loss, or if both of these isoforms must be affected to cause hearing loss. In summary, the clinical significance of the p.Tyr37X variant in the NM_001039141. 2 transcript isoform of TRIOBP is uncertain.

Literature cited by the submitters: PubMed 16385457.